The following is an entry in ClinVar:

NM_000057.4(BLM):c.3389T>G (p.Ile1130Arg)

Gene: BLM (BLM RecQ like helicase; plus strand). Cytogenetic location: 15q26.1.
Variant type: single nucleotide variant.
Coding change: c.3389T>G on transcript NM_000057.4 (MANE Select); coding-DNA position 3389, T replaced by G.
Protein change: p.Ile1130Arg; replaces isoleucine 1130 with arginine.
Molecular consequence: missense variant. On other transcripts: intron variant (1).
Genome position (GRCh38, 1-based): chr15:90,803,551, T>G. VCF-style: chr15-90803551-T-G. GRCh37 (hg19) VCF-style: chr15-91346781-T-G.
Other names: c.3389T>G, p.Ile1130Arg (NM_001287246.2); c.2264T>G, p.Ile755Arg (NM_001287248.2); c.3358+5214T>G (NM_001287247.2); short protein forms I1130R, I755R.
Identifiers: ClinVar variation 3480908 (VCV003480908.1).

ClinVar aggregate classification (germline): Uncertain significance (1 of 4 stars; one submission).

Conditions:
Hereditary cancer-predisposing syndrome. Also called: Tumor predisposition; Neoplastic Syndromes, Hereditary; Hereditary Cancer Syndrome; Hereditary neoplastic syndrome. Identifiers: Orphanet 140162, MedGen C0027672, MeSH D009386, MONDO:0015356.

Submission:

Ambry Genetics
Classification: Uncertain significance for Hereditary cancer-predisposing syndrome. Last evaluated: 2024-11-26. Review status: criteria provided, single submitter. Criteria: Ambry Variant Classification Scheme 2023. Collection method: clinical testing. Allele origin: germline.
Comment: The p.I1130R variant (also known as c.3389T>G), located in coding exon 17 of the BLM gene, results from a T to G substitution at nucleotide position 3389. The isoleucine at codon 1130 is replaced by arginine, an amino acid with similar properties. This amino acid position is conserved. In addition, this alteration is predicted to be tolerated by in silico analysis. Based on the available evidence, the clinical significance of this variant remains unclear.